The following is an entry in ClinVar:

NC_000003.11:g.(123071429_123166258)_(123167938_?)dup

Gene: ADCY5 (adenylate cyclase 5; minus strand). Cytogenetic location: 3q21.1.
Variant type: Duplication.
Identifiers: ClinVar variation 4847663 (VCV004847663.1).

ClinVar aggregate classification (germline): Uncertain significance (1 of 4 stars; one submission).

Submission:

Women's Health and Genetics/Laboratory Corporation of America, LabCorp
Classification: Uncertain significance. Last evaluated: 2026-03-26. Review status: criteria provided, single submitter. Criteria: LabCorp Variant Classification Summary - May 2015. Collection method: clinical testing. Allele origin: germline.
Comment: Variant summary: The variant involves the duplication of exon 1 in the ADCY5 gene. A presumed nomenclature of c.(?_-546)_(1134+1_1135-1)dup has been designated for the purposes of this classification. The exact breakpoint at the 5' end of this variant is unknown, therefore this duplication may extend upstream of the annotated region of this gene. It is predicted to duplicate a segment including the initiation codon, therefore its impact on the encoded protein is unknown. The variant was absent in 21694 control chromosomes (gnomAD SV database). The available data on variant occurrences in the general population are insufficient to allow any conclusion about variant significance. To our knowledge, no occurrence of c.(?_-546)_(1134+1_1135-1)dup in individuals affected with ADCY5-related conditions and no experimental evidence demonstrating its impact on protein function have been reported. No submitters have cited clinical-significance assessments for this variant to ClinVar. Based on the evidence outlined above, the variant was classified as uncertain significance.